The following is an entry in ClinVar:

ClinVar aggregate classification (germline): Likely pathogenic. Review status: criteria provided, multiple submitters, no conflicts (2 of 4 stars). 2 submissions from 2 submitters: Likely pathogenic (2). Last evaluated 2020-12-18.

Conditions:
Hengel-Maroofian-Schols syndrome. Also called: Global developmental delay-intellectual disability-microcephaly-short stature-brain iron accumulation syndrome; NEURODEVELOPMENTAL DISORDER WITH SPASTICITY, FACIAL DYSMORPHISM, AND BRAIN ABNORMALITIES. Identifiers: Orphanet 697067, MedGen C5562032, MONDO:0859208, OMIM 619641.
BCAS3-related disorder. Also called: BCAS3-related condition.

Submissions (2):

Blueprint Genetics
Classification: Likely pathogenic for BCAS3-related disorders. Last evaluated: 2020-12-18. Review status: criteria provided, single submitter. Criteria: ACMG Guidelines, 2015. Collection method: clinical testing. Allele origin: germline. Affected: yes. Observed: 1 variant allele.

Juno Genomics, Hangzhou Juno Genomics, Inc
Classification: Likely pathogenic for Hengel-Maroofian-Schols syndrome. Review status: criteria provided, single submitter. Criteria: ACMG Guidelines, 2015. Collection method: clinical testing. Allele origin: germline.
Comment: Null variant in a gene where loss of function (LOF) is a known mechanism of disease.;Absent from controls (or at extremely low frequency if recessive) in Genome Aggregation Database.

NM_017679.5(BCAS3):c.2062C>T (p.Arg688Ter)

Genes: BCAS3 (BCAS3 microtubule associated cell migration factor; plus strand), BCAS3-AS1 (BCAS3 antisense RNA 1; minus strand). Cytogenetic location: 17q23.2.
Variant type: single nucleotide variant.
Coding change: c.2062C>T on transcript NM_017679.5 (MANE Select); coding-DNA position 2062, C replaced by T.
Protein change: p.Arg688Ter; replaces arginine 688 with a stop codon.
Molecular consequence: nonsense.
Genome position (GRCh38, 1-based): chr17:61,074,952, C>T. VCF-style: chr17-61074952-C-T. GRCh37 (hg19) VCF-style: chr17-59152313-C-T.
Other names: c.2107C>T, p.Arg703Ter (NM_001099432.3, NM_001330413.2, NM_001353146.2); c.2062C>T, p.Arg688Ter (NM_001320470.3, NM_001330414.2); c.2197C>T, p.Arg733Ter (NM_001353144.2); c.2152C>T, p.Arg718Ter (NM_001353145.2); short protein forms R703*, R718*, R733*, R688*.
Identifiers: ClinVar variation 4936305 (VCV004936305.3).
Genomic context (GRCh38, chr17:61,074,952, plus strand): 5'-GTTTAAATCTATTTTCTTTCTCCTATAGTGGTTCCCCCTGGAAGTCCTGGGCCCATTACT[C>T]GACATGGGTCTTACGACAGTTTAGCTTCTGACCATAGTGGACAGGAAGATGAAGAATGGC-3'